The following is an entry in ClinVar:

ClinVar aggregate classification (germline): Likely benign. Review status: criteria provided, multiple submitters, no conflicts (2 of 4 stars). 4 submissions from 4 submitters: Likely benign (4). Last evaluated 2025-07-08.

Conditions:
Dilated cardiomyopathy 1G (CMD1G). Identifiers: Orphanet 154, MedGen C1858763, MONDO:0011400, OMIM 604145.
Autosomal recessive limb-girdle muscular dystrophy type 2J (LGMDR10). Also called: MUSCULAR DYSTROPHY, LIMB-GIRDLE, AUTOSOMAL RECESSIVE 10; Limb-girdle muscular dystrophy, type 2J. Identifiers: Orphanet 140922, MedGen C1837342, MONDO:0012127, OMIM 608807.
Cardiovascular phenotype. Identifiers: MedGen CN230736.

Allele frequency attached by ClinVar (database versions not stated): gnomAD exomes below 0.00001; TOPMed 0.00001.
gnomAD v4.1: 7 of 1,614,130 alleles (0.00043%); highest among the groups gnomAD compares: Non-Finnish European, 0.00059%; no homozygotes.

Submissions (4):

Labcorp Genetics (formerly Invitae), Labcorp
Classification: Likely benign for Dilated cardiomyopathy 1G; Autosomal recessive limb-girdle muscular dystrophy type 2J. Last evaluated: 2025-07-08. Review status: criteria provided, single submitter. Criteria: Invitae Variant Classification Sherloc (09022015). Collection method: clinical testing. Allele origin: germline.

CeGaT Center for Human Genetics Tuebingen
Classification: Likely benign. Last evaluated: 2023-07-01. Review status: criteria provided, single submitter. Criteria: CeGaT Center For Human Genetics Tuebingen Variant Classification Criteria Version 2. Collection method: clinical testing. Allele origin: germline. Affected: yes. Observed: 1 variant allele.
Comment: TTN: PM2:Supporting, BP4, BP7

Ambry Genetics
Classification: Likely benign for Cardiovascular phenotype. Last evaluated: 2022-02-17. Review status: criteria provided, single submitter. Criteria: Ambry Variant Classification Scheme 2023. Collection method: clinical testing. Allele origin: germline.

GeneDx
Classification: Likely benign. Last evaluated: 2018-01-04. Review status: criteria provided, single submitter. Criteria: GeneDx Variant Classification (06012015). Collection method: clinical testing. Allele origin: germline. Affected: yes.
Comment: This variant is considered likely benign or benign based on one or more of the following criteria: it is a conservative change, it occurs at a poorly conserved position in the protein, it is predicted to be benign by multiple in silico algorithms, and/or has population frequency not consistent with disease.

NM_001267550.2(TTN):c.5847T>C (p.Phe1949=)

Gene: TTN (titin; minus strand). Cytogenetic location: 2q31.2.
Variant type: single nucleotide variant.
Coding change: c.5847T>C on transcript NM_001267550.2 (MANE Select); coding-DNA position 5847, T replaced by C.
Protein change: p.Phe1949=; no amino-acid change (phenylalanine 1949 retained).
Molecular consequence: synonymous variant.
Genome position (GRCh38, 1-based): chr2:178,776,017, A>G on the plus strand (T>C on the coding strand, the complement: TTN is on the minus strand). VCF-style: chr2-178776017-A-G. GRCh37 (hg19) VCF-style: chr2-179640744-A-G.
Other names: c.5709T>C, p.Phe1903= (NM_003319.4, NM_133432.3, NM_133437.4); c.5847T>C, p.Phe1949= (NM_133378.4, NM_133379.5, NM_001256850.1).
Identifiers: ClinVar variation 506650 (VCV000506650.40), dbSNP rs879049862, ClinGen allele CA60977523.